The following is an entry in ClinVar:

ClinVar aggregate classification (germline): Likely benign (1 of 4 stars; one submission).

Allele frequency attached by ClinVar (database versions not stated): 1000 Genomes Project 0.00559; 1000 Genomes Project 30x 0.00671; TOPMed 0.00690.
gnomAD v4.1: 961 of 151,562 alleles (0.63%); highest among the groups gnomAD compares: African/African-American, 2.1%; 13 homozygotes.

Submission:

GeneDx
Classification: Likely benign. Last evaluated: 2018-06-14. Review status: criteria provided, single submitter. Criteria: GeneDx Variant Classification (06012015). Collection method: clinical testing. Allele origin: germline. Affected: yes.
Comment: This variant is considered likely benign or benign based on one or more of the following criteria: it is a conservative change, it occurs at a poorly conserved position in the protein, it is predicted to be benign by multiple in silico algorithms, and/or has population frequency not consistent with disease.

NM_018109.4(MTPAP):c.330+301A>C

Gene: MTPAP (mitochondrial poly(A) polymerase; minus strand). Cytogenetic location: 10p11.23.
Variant type: single nucleotide variant.
Coding change: c.330+301A>C on transcript NM_018109.4 (MANE Select); 301 bases into the intron after coding-DNA position 330, A replaced by C.
Molecular consequence: intron variant.
Genome position (GRCh38, 1-based): chr10:30,341,167, T>G on the plus strand (A>C on the coding strand, the complement: MTPAP is on the minus strand). VCF-style: chr10-30341167-T-G. GRCh37 (hg19) VCF-style: chr10-30630096-T-G.
Identifiers: ClinVar variation 673192 (VCV000673192.1), dbSNP rs192571098, ClinGen allele CA205284854.